The following is an entry in ClinVar:

NM_016734.3(PAX5):c.35C>A (p.Thr12Asn)

Gene: PAX5 (paired box 5; minus strand). Cytogenetic location: 9p13.2.
Variant type: single nucleotide variant.
Coding change: c.35C>A on transcript NM_016734.3 (MANE Select); coding-DNA position 35, C replaced by A.
Protein change: p.Thr12Asn; replaces threonine 12 with asparagine.
Molecular consequence: missense variant. On other transcripts: 5 prime UTR variant (2), non-coding transcript variant (2).
Genome position (GRCh38, 1-based): chr9:37,033,997, G>T on the plus strand (C>A on the coding strand, the complement: PAX5 is on the minus strand). VCF-style: chr9-37033997-G-T. GRCh37 (hg19) VCF-style: chr9-37033994-G-T.
Other names: c.35C>A, p.Thr12Asn (NM_001280547.2, NM_001280548.2, NM_001280549.2 and 5 more transcripts); c.-124C>A (NM_001280551.2, NM_001280556.2); short protein forms T12N.
Identifiers: ClinVar variation 3928297 (VCV003928297.2).

ClinVar aggregate classification (germline): Uncertain significance. Review status: criteria provided, multiple submitters, no conflicts (2 of 4 stars). 2 submissions from 2 submitters: Uncertain significance (2). Last evaluated 2025-04-17.

Conditions:
Inborn genetic diseases. Identifiers: MedGen C0950123, MeSH D030342.

gnomAD v4.1: 4 of 1,611,406 alleles (0.00025%); no homozygotes.

Submissions (2):

Ambry Genetics
Classification: Uncertain significance for Inborn genetic diseases. Last evaluated: 2025-04-17. Review status: criteria provided, single submitter. Criteria: Ambry Variant Classification Scheme 2023. Collection method: clinical testing. Allele origin: germline.
Comment: The p.T12N variant (also known as c.35C>A), located in coding exon 1 of the PAX5 gene, results from a C to A substitution at nucleotide position 35. The threonine at codon 12 is replaced by asparagine, an amino acid with similar properties. This amino acid position is conserved. In addition, the in silico prediction for this alteration is inconclusive. Based on the available evidence, the clinical significance of this variant remains unclear.

Blueprint Genetics
Classification: Uncertain significance. Last evaluated: 2023-05-09. Review status: criteria provided, single submitter. Criteria: ACMG Guidelines, 2015. Collection method: clinical testing. Allele origin: germline.